The following is an entry in ClinVar:

NM_001382241.1(TNPO2):c.188G>C (p.Arg63Pro)

Gene: TNPO2 (transportin 2; minus strand). Cytogenetic location: 19p13.13.
Variant type: single nucleotide variant.
Coding change: c.188G>C on transcript NM_001382241.1 (MANE Select); coding-DNA position 188, G replaced by C.
Protein change: p.Arg63Pro; replaces arginine 63 with proline.
Molecular consequence: missense variant. On other transcripts: non-coding transcript variant (6).
Genome position (GRCh38, 1-based): chr19:12,719,166, C>G on the plus strand (G>C on the coding strand, the complement: TNPO2 is on the minus strand). VCF-style: chr19-12719166-C-G. GRCh37 (hg19) VCF-style: chr19-12829980-C-G.
Other names: c.188G>C, p.Arg63Pro (NM_001136195.2, NM_001136196.2, NM_001382236.1 and 7 more transcripts); short protein forms R63P.
Identifiers: ClinVar variation 5017926 (VCV005017926.1).

ClinVar aggregate classification (germline): Uncertain significance (1 of 4 stars; one submission).

Submission:

GeneDx
Classification: Uncertain significance. Last evaluated: 2026-04-04. Review status: criteria provided, single submitter. Criteria: GeneDx Variant Classification Process June 2021. Collection method: clinical testing. Allele origin: germline.
Comment: Not observed at significant frequency in large population cohorts (gnomAD); In silico analysis supports that this missense variant has a deleterious effect on protein structure/function; Has not been previously published as pathogenic or benign to our knowledge